The following is an entry in ClinVar:

ClinVar aggregate classification (germline): Uncertain significance (1 of 4 stars; one submission).

Conditions:
ALG12-congenital disorder of glycosylation (CDG1G). Also called: CDG Ig; Congenital disorder of glycosylation, type Ig; ALG12-CDG. Identifiers: Orphanet 79324, MedGen C2931001, MONDO:0011783, OMIM 607143.

Allele frequency attached by ClinVar (database versions not stated): gnomAD 0.00001; TOPMed 0.00001; gnomAD exomes 0.00003 and 0.00006; ExAC 0.00007.
gnomAD v4.1: 48 of 1,613,860 alleles (0.003%); highest among the groups gnomAD compares: East Asian, 0.0045%; no homozygotes.

Submission:

Labcorp Genetics (formerly Invitae), Labcorp
Classification: Uncertain significance for ALG12-congenital disorder of glycosylation. Last evaluated: 2020-12-21. Review status: criteria provided, single submitter. Criteria: Invitae Variant Classification Sherloc (09022015). Collection method: clinical testing. Allele origin: germline.
Comment: This sequence change replaces alanine with threonine at codon 75 of the ALG12 protein (p.Ala75Thr). The alanine residue is moderately conserved and there is a small physicochemical difference between alanine and threonine. In summary, the available evidence is currently insufficient to determine the role of this variant in disease. Therefore, it has been classified as a Variant of Uncertain Significance. Algorithms developed to predict the effect of missense changes on protein structure and function are either unavailable or do not agree on the potential impact of this missense change (SIFT: "Deleterious"; PolyPhen-2: "Probably Damaging"; Align-GVGD: "Class C0"). This variant has not been reported in the literature in individuals with ALG12-related conditions. This variant is present in population databases (rs761301009, ExAC 0.01%).

NM_024105.4(ALG12):c.223G>A (p.Ala75Thr)

Gene: ALG12 (ALG12 alpha-1,6-mannosyltransferase; minus strand). Cytogenetic location: 22q13.33.
Variant type: single nucleotide variant.
Coding change: c.223G>A on transcript NM_024105.4 (MANE Select); coding-DNA position 223, G replaced by A.
Protein change: p.Ala75Thr; replaces alanine 75 with threonine.
Molecular consequence: missense variant.
Genome position (GRCh38, 1-based): chr22:49,913,457, C>T on the plus strand (G>A on the coding strand, the complement: ALG12 is on the minus strand). VCF-style: chr22-49913457-C-T. GRCh37 (hg19) VCF-style: chr22-50307105-C-T.
Other names: short protein forms A75T.
Identifiers: ClinVar variation 1422599 (VCV001422599.8), dbSNP rs761301009, ClinGen allele CA10300694.